The following is an entry in ClinVar:

NM_002474.3(MYH11):c.2365G>A (p.Val789Ile)

Gene: MYH11 (myosin heavy chain 11; minus strand). Cytogenetic location: 16p13.11.
Variant type: single nucleotide variant.
Coding change: c.2365G>A on transcript NM_002474.3 (MANE Select); coding-DNA position 2365, G replaced by A.
Protein change: p.Val789Ile; replaces valine 789 with isoleucine.
Molecular consequence: missense variant.
Genome position (GRCh38, 1-based): chr16:15,747,616, C>T on the plus strand (G>A on the coding strand, the complement: MYH11 is on the minus strand). VCF-style: chr16-15747616-C-T. GRCh37 (hg19) VCF-style: chr16-15841473-C-T.
Other names: c.2386G>A, p.Val796Ile (NM_001040113.2, NM_001040114.2); c.2365G>A, p.Val789Ile (NM_022844.3); short protein forms V796I, V789I.
Identifiers: ClinVar variation 2773846 (VCV002773846.3), dbSNP rs2506265313, ClinGen allele CA394867221.

ClinVar aggregate classification (germline): Uncertain significance. Review status: criteria provided, multiple submitters, no conflicts (2 of 4 stars). 2 submissions from 2 submitters: Uncertain significance (2). Last evaluated 2023-12-13.

Conditions:
Familial thoracic aortic aneurysm and aortic dissection (TAAD). Also called: Thoracic aortic aneurysms and dissections. Identifiers: Orphanet 91387, MedGen C4707243, MONDO:0019625.

Submissions (2):

All of Us Research Program, National Institutes of Health
Classification: Uncertain significance for Familial thoracic aortic aneurysm and aortic dissection. Last evaluated: 2023-12-13. Review status: criteria provided, single submitter. Criteria: ACMG Guidelines, 2015. Collection method: clinical testing. Allele origin: germline. Inheritance: Autosomal dominant inheritance. Observed: 1 variant allele, 1 heterozygote.
Comment: This missense variant replaces valine with isoleucine at codon 796 of the MYH11 protein. Computational prediction suggests that this variant may not impact protein structure and function (internally defined REVEL score threshold <= 0.5, PMID: 27666373). To our knowledge, functional studies have not been reported for this variant. This variant has not been reported in individuals affected with MYH11-related disorders in the literature. This variant has not been identified in the general population by the Genome Aggregation Database (gnomAD). The available evidence is insufficient to determine the role of this variant in disease conclusively. Therefore, this variant is classified as a Variant of Uncertain Significance.

This study involves interpretation of variants in research participants for the purpose of population health screening. Participant phenotype was not available at the time of variant classification. Additional details can be found in publication PMID: 35346344, PMCID: PMC8962531

Color Diagnostics, LLC DBA Color Health
Classification: Uncertain significance for Familial thoracic aortic aneurysm and aortic dissection. Last evaluated: 2023-01-09. Review status: criteria provided, single submitter. Criteria: ACMG Guidelines, 2015. Collection method: clinical testing. Allele origin: germline.
Comment: This missense variant replaces valine with isoleucine at codon 796 of the MYH11 protein. Computational prediction suggests that this variant may not impact protein structure and function (internally defined REVEL score threshold <= 0.5, PMID: 27666373). To our knowledge, functional studies have not been reported for this variant. This variant has not been reported in individuals affected with MYH11-related disorders in the literature. This variant has not been identified in the general population by the Genome Aggregation Database (gnomAD). The available evidence is insufficient to determine the role of this variant in disease conclusively. Therefore, this variant is classified as a Variant of Uncertain Significance.